The following is an entry in ClinVar:

ClinVar aggregate classification (germline): Uncertain significance (1 of 4 stars; one submission).

Conditions:
Inborn genetic diseases. Identifiers: MedGen C0950123, MeSH D030342.

Submission:

Ambry Genetics
Classification: Uncertain significance for Inborn genetic diseases. Last evaluated: 2026-08-25. Review status: criteria provided, single submitter. Criteria: Ambry Variant Classification Scheme 2023. Collection method: clinical testing. Allele origin: germline.
Comment: The c.498G>T (p.W166C) alteration is located in exon 5 (coding exon 5) of the MAOA gene. This alteration results from a G to T substitution at nucleotide position 498, causing the tryptophan (W) at amino acid position 166 to be replaced by a cysteine (C). Based on data from gnomAD, the T allele has an overall frequency of 0.001% (1/181719) total alleles studied. The highest observed frequency was 0.008% (1/13104) of African alleles. This amino acid position is highly conserved in available vertebrate species. This alteration is predicted to be deleterious by in silico analysis. Based on insufficient or conflicting evidence, the clinical significance of this alteration remains unclear.

NM_000240.4(MAOA):c.498G>T (p.Trp166Cys)

Gene: MAOA (monoamine oxidase A; plus strand). Cytogenetic location: Xp11.3.
Variant type: single nucleotide variant.
Coding change: c.498G>T on transcript NM_000240.4 (MANE Select); coding-DNA position 498, G replaced by T.
Protein change: p.Trp166Cys; replaces tryptophan 166 with cysteine.
Molecular consequence: missense variant.
Genome position (GRCh38, 1-based): chrX:43,712,791, G>T. VCF-style: chrX-43712791-G-T. GRCh37 (hg19) VCF-style: chrX-43572038-G-T.
Other names: c.99G>T, p.Trp33Cys (NM_001270458.2); short protein forms W33C, W166C.
Identifiers: ClinVar variation 5023859 (VCV005023859.1).